The following is an entry in ClinVar:

ClinVar aggregate classification (germline): Uncertain significance. Review status: criteria provided, multiple submitters, no conflicts (2 of 4 stars). 2 submissions from 2 submitters: Uncertain significance (2). Last evaluated 2025-04-28.

Allele frequency attached by ClinVar (database versions not stated): gnomAD exomes below 0.00001.

Submissions (2):

Labcorp Genetics (formerly Invitae), Labcorp
Classification: Uncertain significance. Last evaluated: 2025-04-28. Review status: criteria provided, single submitter. Criteria: Invitae Variant Classification Sherloc (09022015). Collection method: clinical testing. Allele origin: germline.
Comment: This sequence change replaces proline, which is neutral and non-polar, with serine, which is neutral and polar, at codon 482 of the COL9A3 protein (p.Pro482Ser). This variant is present in population databases (no rsID available, gnomAD 0.0009%). This variant has not been reported in the literature in individuals affected with COL9A3-related conditions. ClinVar contains an entry for this variant (Variation ID: 1449078). Invitae Evidence Modeling of protein sequence and biophysical properties (such as structural, functional, and spatial information, amino acid conservation, physicochemical variation, residue mobility, and thermodynamic stability) indicates that this missense variant is not expected to disrupt COL9A3 protein function with a negative predictive value of 95%. In summary, the available evidence is currently insufficient to determine the role of this variant in disease. Therefore, it has been classified as a Variant of Uncertain Significance.

Blueprint Genetics
Classification: Uncertain significance. Last evaluated: 2021-03-01. Review status: criteria provided, single submitter. Criteria: ACMG Guidelines, 2015. Collection method: clinical testing. Allele origin: germline.

NM_001853.4(COL9A3):c.1444C>T (p.Pro482Ser)

Genes: COL9A3 (collagen type IX alpha 3 chain; plus strand), LOC126863084 (MED14-independent group 3 enhancer GRCh37_chr20:61467141-61468340; plus strand). Cytogenetic location: 20q13.33.
Variant type: single nucleotide variant.
Coding change: c.1444C>T on transcript NM_001853.4 (MANE Select); coding-DNA position 1444, C replaced by T.
Protein change: p.Pro482Ser; replaces proline 482 with serine.
Molecular consequence: missense variant.
Genome position (GRCh38, 1-based): chr20:62,836,229, C>T. VCF-style: chr20-62836229-C-T. GRCh37 (hg19) VCF-style: chr20-61467581-C-T.
Other names: short protein forms P482S.
Identifiers: ClinVar variation 1449078 (VCV001449078.7), dbSNP rs1266397991, ClinGen allele CA409597070.
Genomic context (GRCh38, chr20:62,836,229, plus strand): 5'-TCCTCTGTTCCTCTGCAGTCTGGCAGTCGAGGGGAGCTGGGCCCCAAAGGCACCCAGGGT[C>T]CCAACGGCACCAGCGGTGTTCAGGGTGTCCCCGGGCCCCCCGGTCCTCTGGGCCTGCAGG-3'
Protein context (NP_001844.3, residues 472-492): GELGPKGTQG[Pro482Ser]NGTSGVQGVP